The following is an entry in ClinVar:

NM_000337.6(SGCD):c.700-1_703del

Gene: SGCD (sarcoglycan delta; plus strand). Cytogenetic location: 5q33.3.
Variant type: Deletion.
Coding change: c.700-1_703del on transcript NM_000337.6 (MANE Select); the canonical splice acceptor site of the intron before coding-DNA position 700 through coding-DNA position 703, 5 bases deleted (GATTA; older notation c.700-1_703delGATTA).
Molecular consequence: splice acceptor variant.
Genome position (GRCh38, 1-based): chr5:156,759,216-156,759,220, GATTA deleted; deleting any 5 consecutive bases within chr5:156,759,213-156,759,220 gives the same sequence; the c. name uses the placement nearest the transcript's 3' end. VCF-style (leftmost placement, unchanged base first): chr5-156759212-TTTAGA-T. GRCh37 (hg19) VCF-style: chr5-156186223-TTTAGA-T.
Other names: c.697-1_700del (NM_001128209.2).
Identifiers: ClinVar variation 4819507 (VCV004819507.1).

ClinVar aggregate classification (germline): Uncertain significance (1 of 4 stars; one submission).

Submission:

GeneDx
Classification: Uncertain significance. Last evaluated: 2025-09-30. Review status: criteria provided, single submitter. Criteria: GeneDx Variant Classification Process June 2021. Collection method: clinical testing. Allele origin: germline. Affected: yes.
Comment: Not observed at significant frequency in large population cohorts (gnomAD); Canonical splice site variant with an unclear effect on protein function; Has not been previously published as pathogenic or benign to our knowledge